The following is an entry in ClinVar:

ClinVar aggregate classification (germline): Uncertain significance. Review status: criteria provided, multiple submitters, no conflicts (2 of 4 stars). 10 submissions from 9 submitters: Uncertain significance (10). Last evaluated 2026-06-16.

Conditions:
FIG4-related disorder. Also called: FIG4-related disorders; FIG4-related condition.
Charcot-Marie-Tooth disease type 4. Also called: Charcot-Marie-Tooth disease, type IV; Charcot-Marie-Tooth, Type 4. Identifiers: Orphanet 64749, MedGen C4082197, MONDO:0018995.
Charcot-Marie-Tooth disease type 4J (CMT4J). Also called: Charcot-Marie-Tooth Neuropathy Type 4J; CHARCOT-MARIE-TOOTH DISEASE, DEMYELINATING, TYPE 4J; CHARCOT-MARIE-TOOTH DISEASE, AUTOSOMAL RECESSIVE, TYPE 4J. Identifiers: Orphanet 139515, MedGen C1970011, MONDO:0012640, OMIM 611228.
Amyotrophic lateral sclerosis type 11 (ALS11). Identifiers: Orphanet 803, MedGen C2675491, MONDO:0012945, OMIM 612577.

Allele frequency attached by ClinVar (database versions not stated): gnomAD 0.00005; gnomAD exomes 0.00006; TOPMed 0.00007; ExAC 0.00008; ESP Exome Variant Server 0.00015.
gnomAD v4.1: 117 of 1,612,980 alleles (0.0073%); highest among the groups gnomAD compares: Non-Finnish European, 0.0092%; no homozygotes.

Submissions (10):

Women's Health and Genetics/Laboratory Corporation of America, LabCorp
Classification: Uncertain significance. Last evaluated: 2026-06-16. Review status: criteria provided, single submitter. Criteria: LabCorp Variant Classification Summary - May 2015. Collection method: clinical testing. Allele origin: germline.
Comment: Variant summary: FIG4 c.2200G>A (p.Glu734Lys) results in a conservative amino acid change in the encoded protein sequence. Algorithms developed to predict the effect of missense changes on protein structure and function are either unavailable or do not agree on the potential impact of this missense change. The variant allele was found at a frequency of 6.4e-05 in 249862 control chromosomes. This frequency is not significantly higher than estimated for disease-causing variants in FIG4, allowing no conclusion about variant significance. c.2200G>A has been reported in the literature in individuals affected with Charcot-Marie-Tooth disease or Amyotrophic lateral sclerosis without reported genotype/second variant (e.g. Grassano_2022, Kenna_2013, Volodarsky_2021). These reports do not provide unequivocal conclusions about association of the variant with disease. To our knowledge, no experimental evidence demonstrating an impact on protein function has been reported. The following publications have been ascertained in the context of this evaluation (PMID: 35896380, 23881933, 32376792). ClinVar contains an entry for this variant (Variation ID: 234661). Based on the evidence outlined above, the variant was classified as uncertain significance.

PreventionGenetics, part of Exact Sciences
Classification: Uncertain significance for FIG4-related condition. Last evaluated: 2026-02-23. Review status: criteria provided, single submitter. Criteria: ACMG Guidelines, 2015. Collection method: clinical testing. Allele origin: germline.
Comment: The FIG4 c.2200G>A variant is predicted to result in the amino acid substitution p.Glu734Lys. This variant was reported as a variant of uncertain significance in an individual from a large cohort study of Charcot-Marie-Tooth disease; however, additional evidence was not provided (Supp. Table 2, Volodarsky et al. 2021. PubMed ID: 32376792). The c.2200G>A variant was also reported in two individuals with early-onset Alzheimer's disease (Bartoletti-Stella et al. 2022. PubMed ID: 36133075; eTable 1, Grassano et al. 2022. PubMed ID: 35896380). This variant is reported in 0.013% of alleles in individuals of European (non-Finnish) descent in gnomAD. At this time, the clinical significance of this variant is uncertain due to the absence of conclusive functional and genetic evidence.

GeneDx
Classification: Uncertain significance. Last evaluated: 2025-09-30. Review status: criteria provided, single submitter. Criteria: GeneDx Variant Classification Process June 2021. Collection method: clinical testing. Allele origin: germline. Affected: yes.
Comment: Not observed at significant frequency in large population cohorts (gnomAD); In silico analysis supports that this missense variant has a deleterious effect on protein structure/function; Reported as a variant of uncertain significance in an individual with CMT; however, detailed clinical and segregation information was not provided (PMID: 32376792); This variant is associated with the following publications: (PMID: 27582484, 32376792, 36133075, 35896380)

Athena Diagnostics
Classification: Uncertain significance. Last evaluated: 2025-08-06. Review status: criteria provided, single submitter. Criteria: Athena Diagnostics Criteria. Collection method: clinical testing. Allele origin: unknown.
Comment: Available data are insufficient to determine the clinical significance of the variant at this time. The frequency of this variant in the general population is uninformative in assessment of its pathogenicity. Polyphen and MutationTaster predict this amino acid change may be benign.

Labcorp Genetics (formerly Invitae), Labcorp
Classification: Uncertain significance for Charcot-Marie-Tooth disease type 4. Last evaluated: 2025-01-13. Review status: criteria provided, single submitter. Criteria: Invitae Variant Classification Sherloc (09022015). Collection method: clinical testing. Allele origin: germline.
Comment: This sequence change replaces glutamic acid, which is acidic and polar, with lysine, which is basic and polar, at codon 734 of the FIG4 protein (p.Glu734Lys). This variant is present in population databases (rs372846619, gnomAD 0.01%). This missense change has been observed in individual(s) with Charcot-Marie-Tooth disease and/or amyotrophic lateral sclerosis (PMID: 32376792, 35896380). ClinVar contains an entry for this variant (Variation ID: 234661). An algorithm developed to predict the effect of missense changes on protein structure and function (PolyPhen-2) suggests that this variant is likely to be disruptive. Algorithms developed to predict the effect of sequence changes on RNA splicing suggest that this variant may create or strengthen a splice site. In summary, the available evidence is currently insufficient to determine the role of this variant in disease. Therefore, it has been classified as a Variant of Uncertain Significance.

Blueprint Genetics
Classification: Uncertain significance. Last evaluated: 2024-01-12. Review status: criteria provided, single submitter. Criteria: ACMG Guidelines, 2015. Collection method: clinical testing. Allele origin: germline.

Mayo Clinic Laboratories, Mayo Clinic
Classification: Uncertain significance. Last evaluated: 2020-04-09. Review status: criteria provided, single submitter. Criteria: ACMG Guidelines, 2015. Collection method: clinical testing. Allele origin: germline. Observed: 1 variant allele.

Illumina Laboratory Services, Illumina
Classification: Uncertain significance for Charcot-Marie-Tooth disease type 4J. Last evaluated: 2018-01-13. Review status: criteria provided, single submitter. Criteria: ICSL Variant Classification Criteria 13 December 2019. Collection method: clinical testing. Allele origin: germline.

Illumina Laboratory Services, Illumina
Classification: Uncertain significance for Amyotrophic lateral sclerosis type 11. Last evaluated: 2018-01-13. Review status: criteria provided, single submitter. Criteria: ICSL Variant Classification Criteria 13 December 2019. Collection method: clinical testing. Allele origin: germline.

CeGaT Center for Human Genetics Tuebingen
Classification: Uncertain significance. Last evaluated: 2017-02-01. Review status: criteria provided, single submitter. Criteria: CeGaT Center For Human Genetics Tuebingen Variant Classification Criteria Version 2. Collection method: clinical testing. Allele origin: germline. Affected: yes. Observed: 2 variant alleles.

Literature cited by the submitters: PubMed 23881933 (cited by Women's Health and Genetics/Laboratory Corporation of America, LabCorp and Athena Diagnostics); PubMed 32376792 (cited by 3 submitters); PubMed 35896380 (cited by 3 submitters); PubMed 36133075 (cited by Athena Diagnostics).

NM_014845.6(FIG4):c.2200G>A (p.Glu734Lys)

Gene: FIG4 (FIG4 phosphoinositide 5-phosphatase; plus strand). Cytogenetic location: 6q21.
Variant type: single nucleotide variant.
Coding change: c.2200G>A on transcript NM_014845.6 (MANE Select); coding-DNA position 2200, G replaced by A.
Protein change: p.Glu734Lys; replaces glutamic acid 734 with lysine.
Molecular consequence: missense variant.
Genome position (GRCh38, 1-based): chr6:109,791,395, G>A. VCF-style: chr6-109791395-G-A. GRCh37 (hg19) VCF-style: chr6-110112598-G-A.
Other names: short protein forms E734K.
Identifiers: ClinVar variation 234661 (VCV000234661.63), dbSNP rs372846619, ClinGen allele CA3956323.